The following is an entry in ClinVar:

NM_016955.4(SEPSECS):c.1390G>T (p.Glu464Ter)

Gene: SEPSECS (Sep (O-phosphoserine) tRNA:Sec (selenocysteine) tRNA synthase; minus strand). Cytogenetic location: 4p15.2.
Variant type: single nucleotide variant.
Coding change: c.1390G>T on transcript NM_016955.4 (MANE Select); coding-DNA position 1390, G replaced by T.
Protein change: p.Glu464Ter; replaces glutamic acid 464 with a stop codon.
Molecular consequence: nonsense.
Genome position (GRCh38, 1-based): chr4:25,124,047, C>A on the plus strand (G>T on the coding strand, the complement: SEPSECS is on the minus strand). VCF-style: chr4-25124047-C-A. GRCh37 (hg19) VCF-style: chr4-25125669-C-A.
Other names: c.1390G>T (NM_016955.3); short protein forms E464*.
Identifiers: ClinVar variation 989880 (VCV000989880.7), dbSNP rs747732980, ClinGen allele CA2877153.

ClinVar aggregate classification (germline): Conflicting classifications of pathogenicity. Review status: criteria provided, conflicting classifications (1 of 4 stars). 3 submissions from 3 submitters: Pathogenic (1); Likely pathogenic (1); Uncertain significance (1). Last evaluated 2025-12-06.

Conditions:
Pontocerebellar hypoplasia type 2D (PCH2D). Also called: Progressive cerebello-cerebral atrophy. Identifiers: Orphanet 247198, Orphanet 2524, MedGen C3151140, MONDO:0013438, OMIM 613811.

Allele frequency attached by ClinVar (database versions not stated): gnomAD exomes 0.00001 and 0.00003; ExAC 0.00002; gnomAD 0.00002; TOPMed 0.00002.
gnomAD v4.1: 11 of 1,613,676 alleles (0.00068%); highest among the groups gnomAD compares: Admixed American, 0.0067%; no homozygotes.

Submissions (3):

Labcorp Genetics (formerly Invitae), Labcorp
Classification: Pathogenic. Last evaluated: 2025-12-06. Review status: criteria provided, single submitter. Criteria: Invitae Variant Classification Sherloc (09022015). Collection method: clinical testing. Allele origin: germline.
Comment: This sequence change creates a premature translational stop signal (p.Glu464*) in the SEPSECS gene. While this is not anticipated to result in nonsense mediated decay, it is expected to disrupt the last 38 amino acid(s) of the SEPSECS protein. This variant is present in population databases (rs747732980, gnomAD 0.01%). This variant has not been reported in the literature in individuals affected with SEPSECS-related conditions. ClinVar contains an entry for this variant (Variation ID: 989880). This variant disrupts a region of the SEPSECS protein in which other variant(s) (p.Glu477*) have been determined to be pathogenic (internal data). This suggests that this is a clinically significant region of the protein, and that variants that disrupt it are likely to be disease-causing. For these reasons, this variant has been classified as Pathogenic.

Natera, Inc.
Classification: Likely pathogenic for Pontocerebellar hypoplasia type 2d. Last evaluated: 2024-08-14. Review status: criteria provided, single submitter. Criteria: Natera Variant Classification Schema (03/2026). Collection method: clinical testing. Allele origin: germline.
Comment: The c.1390G>T variant in SEPSECS is a nonsense variant predicted to introduce a stop codon at amino acid 464. This variant is expected to result in nonsense mediated decay, truncation, or a dysfunctional protein product. This variant is rare in the general population with a frequency below the threshold expected for the associated phenotype(s). Given the available evidence, this variant is classified as Likely Pathogenic.

Fulgent Genetics
Classification: Uncertain significance for Pontocerebellar hypoplasia type 2D. Last evaluated: 2021-08-05. Review status: criteria provided, single submitter. Criteria: ACMG Guidelines, 2015. Collection method: clinical testing. Allele origin: unknown.